The following is an entry in ClinVar:

ClinVar aggregate classification (germline): Uncertain significance (1 of 4 stars; one submission).

Submission:

Ambry Genetics
Classification: Uncertain significance. Last evaluated: 2022-09-26. Review status: criteria provided, single submitter. Criteria: Ambry Variant Classification Scheme 2023. Collection method: clinical testing. Allele origin: germline.
Comment: The p.M56L variant (also known as c.166A>C), located in coding exon 3 of the RPS20 gene, results from an A to C substitution at nucleotide position 166. The methionine at codon 56 is replaced by leucine, an amino acid with highly similar properties. This amino acid position is conserved. In addition, this alteration is predicted to be deleterious by in silico analysis. Since supporting evidence is limited at this time, the clinical significance of this alteration remains unclear.

NM_001023.4(RPS20):c.166A>C (p.Met56Leu)

Gene: RPS20 (ribosomal protein S20; minus strand). Cytogenetic location: 8q12.1.
Variant type: single nucleotide variant.
Coding change: c.166A>C on transcript NM_001023.4 (MANE Select); coding-DNA position 166, A replaced by C.
Protein change: p.Met56Leu; replaces methionine 56 with leucine.
Molecular consequence: missense variant.
Genome position (GRCh38, 1-based): chr8:56,073,706, T>G on the plus strand (A>C on the coding strand, the complement: RPS20 is on the minus strand). VCF-style: chr8-56073706-T-G. GRCh37 (hg19) VCF-style: chr8-56986265-T-G.
Other names: c.166A>C, p.Met56Leu (NM_001146227.3); short protein forms M56L.
Identifiers: ClinVar variation 1777641 (VCV001777641.2), dbSNP rs2486983890, ClinGen allele CA371283508.